The following is an entry in ClinVar:

ClinVar aggregate classification (germline): Uncertain significance. Review status: criteria provided, multiple submitters, no conflicts (2 of 4 stars). 3 submissions from 3 submitters: Uncertain significance (3). Last evaluated 2025-06-09.

Conditions:
Inborn genetic diseases. Identifiers: MedGen C0950123, MeSH D030342.
Amelocerebrohypohidrotic syndrome (KTZS). Also called: EPILEPSY AND YELLOW TEETH; EPILEPSY, DEMENTIA, AND AMELOGENESIS IMPERFECTA; KOHLSCHUTTER SYNDROME; Kohlschutter's syndrome. Identifiers: Orphanet 1946, MedGen C0406740, MONDO:0009185, OMIM 226750.

Allele frequency attached by ClinVar (database versions not stated): TOPMed 0.00007; ExAC 0.00002.
gnomAD v4.1: 156 of 1,612,698 alleles (0.0097%); highest among the groups gnomAD compares: Non-Finnish European, 0.013%; no homozygotes.

Submissions (3):

Ambry Genetics
Classification: Uncertain significance for Inborn genetic diseases. Last evaluated: 2025-06-09. Review status: criteria provided, single submitter. Criteria: Ambry Variant Classification Scheme 2023. Collection method: clinical testing. Allele origin: germline.

Labcorp Genetics (formerly Invitae), Labcorp
Classification: Uncertain significance for Amelocerebrohypohidrotic syndrome. Last evaluated: 2022-10-25. Review status: criteria provided, single submitter. Criteria: Invitae Variant Classification Sherloc (09022015). Collection method: clinical testing. Allele origin: germline.
Comment: Algorithms developed to predict the effect of missense changes on protein structure and function are either unavailable or do not agree on the potential impact of this missense change (SIFT: "Deleterious"; PolyPhen-2: "Benign"; Align-GVGD: "Class C0"). ClinVar contains an entry for this variant (Variation ID: 864591). This variant has not been reported in the literature in individuals affected with ROGDI-related conditions. This variant is present in population databases (rs774473916, gnomAD 0.007%). This sequence change replaces serine, which is neutral and polar, with threonine, which is neutral and polar, at codon 242 of the ROGDI protein (p.Ser242Thr). In summary, the available evidence is currently insufficient to determine the role of this variant in disease. Therefore, it has been classified as a Variant of Uncertain Significance.

Mayo Clinic Laboratories, Mayo Clinic
Classification: Uncertain significance. Last evaluated: 2020-03-27. Review status: criteria provided, single submitter. Criteria: ACMG Guidelines, 2015. Collection method: clinical testing. Allele origin: germline. Observed: 1 variant allele.

NM_024589.3(ROGDI):c.725G>C (p.Ser242Thr)

Gene: ROGDI (rogdi atypical leucine zipper; minus strand). Cytogenetic location: 16p13.3.
Variant type: single nucleotide variant.
Coding change: c.725G>C on transcript NM_024589.3 (MANE Select); coding-DNA position 725, G replaced by C.
Protein change: p.Ser242Thr; replaces serine 242 with threonine.
Molecular consequence: missense variant. On other transcripts: non-coding transcript variant (1).
Genome position (GRCh38, 1-based): chr16:4,797,811, C>G on the plus strand (G>C on the coding strand, the complement: ROGDI is on the minus strand). VCF-style: chr16-4797811-C-G. GRCh37 (hg19) VCF-style: chr16-4847812-C-G.
Other names: c.725G>C (NM_024589.1); short protein forms S242T.
Identifiers: ClinVar variation 864591 (VCV000864591.13), dbSNP rs774473916, ClinGen allele CA7882506.
Genomic context (GRCh38, chr16:4,797,811, plus strand): 5'-GTGAAGTAGACCAGGGCGTCGTTGAGCCAGGGGATCACGCACTCCACTTTGTGCACGTGG[C>G]TCACCTCCAGGCGCTGAGAGCCCCACTCGCTGTGGGCAGTGAGAGGGTCCCTGAGGAGGG-3'
Protein context (NP_078865.1, residues 232-252): FEWGSQRLEV[Ser242Thr]HVHKVECVIP